The following is an entry in ClinVar:

ClinVar aggregate classification (germline): Uncertain significance. Review status: criteria provided, multiple submitters, no conflicts (2 of 4 stars). 3 submissions from 3 submitters: Uncertain significance (2). 1 of the submissions does not count toward it. Last evaluated 2022-06-04.

Conditions:
Nemaline myopathy 2 (NEM2). Also called: Nemaline myopathy 2, autosomal recessive. Identifiers: MedGen C1850569, MONDO:0009725, OMIM 256030.

Allele frequency attached by ClinVar (database versions not stated): gnomAD exomes below 0.00001 and 0.00001; TOPMed below 0.00001.
gnomAD v4.1: 8 of 1,583,736 alleles (0.00051%); highest among the groups gnomAD compares: Non-Finnish European, 0.00069%; no homozygotes.

Submissions (3):

Labcorp Genetics (formerly Invitae), Labcorp
Classification: Uncertain significance for Nemaline myopathy 2. Last evaluated: 2022-06-04. Review status: criteria provided, single submitter. Criteria: Invitae Variant Classification Sherloc (09022015). Collection method: clinical testing. Allele origin: germline.
Comment: This sequence change replaces aspartic acid, which is acidic and polar, with asparagine, which is neutral and polar, at codon 2165 of the NEB protein (p.Asp2165Asn). This variant is present in population databases (no rsID available, gnomAD 0.001%). This variant has not been reported in the literature in individuals affected with NEB-related conditions. ClinVar contains an entry for this variant (Variation ID: 968663). Algorithms developed to predict the effect of missense changes on protein structure and function output the following: SIFT: "Tolerated"; PolyPhen-2: "Not Available"; Align-GVGD: "Class C0". The asparagine amino acid residue is found in multiple mammalian species, which suggests that this missense change does not adversely affect protein function. Algorithms developed to predict the effect of sequence changes on RNA splicing suggest that this variant may create or strengthen a splice site. In summary, the available evidence is currently insufficient to determine the role of this variant in disease. Therefore, it has been classified as a Variant of Uncertain Significance.

Revvity Omics, Revvity
Classification: Uncertain significance. Last evaluated: 2020-03-24. Review status: criteria provided, single submitter. Criteria: ACMG Guidelines, 2015. Collection method: clinical testing. Allele origin: germline.

Natera, Inc.
Classification: Uncertain significance for Nemaline myopathy type 2. Last evaluated: 2020-04-01. Review status: no assertion criteria provided. Collection method: clinical testing. Allele origin: germline. Not counted in ClinVar's aggregate classification.

NM_001164508.2(NEB):c.6493G>A (p.Asp2165Asn)

Gene: NEB (nebulin; minus strand). Cytogenetic location: 2q23.3.
Variant type: single nucleotide variant.
Coding change: c.6493G>A on transcript NM_001164508.2 (MANE Select); coding-DNA position 6493, G replaced by A.
Protein change: p.Asp2165Asn; replaces aspartic acid 2165 with asparagine.
Molecular consequence: missense variant.
Genome position (GRCh38, 1-based): chr2:151,656,155, C>T on the plus strand (G>A on the coding strand, the complement: NEB is on the minus strand). VCF-style: chr2-151656155-C-T. GRCh37 (hg19) VCF-style: chr2-152512669-C-T.
Other names: c.6493G>A, p.Asp2165Asn (NM_001164507.2, NM_001271208.2, NM_004543.5); short protein forms D2165N.
Identifiers: ClinVar variation 968663 (VCV000968663.10), dbSNP rs1234273631, ClinGen allele CA348798354.
Genomic context (GRCh38, chr2:151,656,155, plus strand): 5'-GTGATCTCCCTTCCCATGCTAGGATTCCAACCATCACCCAAGTAGAAGAAAGCCTTACAT[C>T]ACTCTGTATGCGATTCATATTCCTGGTCAGCTCAATGTTCATTGCATCTGGAAGGAGGAT-3'
Protein context (NP_001157980.2, residues 2155-2175): LTRNMNRIQS[Asp2165Asn]NEYKQDYNEW